The following is an entry in ClinVar:

ClinVar aggregate classification (germline): Uncertain significance (1 of 4 stars; one submission).

Conditions:
Alstrom syndrome (ALMS). Identifiers: Orphanet 64, MedGen C0268425, MONDO:0008763, OMIM 203800.

Allele frequency attached by ClinVar (database versions not stated): gnomAD exomes below 0.00001 and 0.00001; ExAC 0.00001.
gnomAD v4.1: 1 of 1,614,076 alleles (0.000062%); highest among the groups gnomAD compares: East Asian, 0.0022%; no homozygotes.

Submission:

Labcorp Genetics (formerly Invitae), Labcorp
Classification: Uncertain significance for Alstrom syndrome. Last evaluated: 2021-06-01. Review status: criteria provided, single submitter. Criteria: Invitae Variant Classification Sherloc (09022015). Collection method: clinical testing. Allele origin: germline.
Comment: This sequence change replaces isoleucine with methionine at codon 4105 of the ALMS1 protein (p.Ile4105Met). The isoleucine residue is weakly conserved and there is a small physicochemical difference between isoleucine and methionine. This variant is present in population databases (rs761844893, ExAC 0.01%). This variant has not been reported in the literature in individuals with ALMS1-related conditions. Experimental studies and prediction algorithms are not available or were not evaluated, and the functional significance of this variant is currently unknown. In summary, the available evidence is currently insufficient to determine the role of this variant in disease. Therefore, it has been classified as a Variant of Uncertain Significance.

NM_001378454.1(ALMS1):c.12312C>G (p.Ile4104Met)

Gene: ALMS1 (ALMS1 centrosome and basal body associated protein; plus strand). Cytogenetic location: 2p13.1.
Variant type: single nucleotide variant.
Coding change: c.12312C>G on transcript NM_001378454.1 (MANE Select); coding-DNA position 12312, C replaced by G.
Protein change: p.Ile4104Met; replaces isoleucine 4104 with methionine.
Molecular consequence: missense variant.
Genome position (GRCh38, 1-based): chr2:73,603,254, C>G. VCF-style: chr2-73603254-C-G. GRCh37 (hg19) VCF-style: chr2-73830381-C-G.
Other names: c.12315C>G, p.Ile4105Met (NM_015120.4); short protein forms I4104M, I4105M.
Identifiers: ClinVar variation 1350692 (VCV001350692.3), dbSNP rs761844893, ClinGen allele CA1715528.